The following is an entry in ClinVar:

NM_002661.5(PLCG2):c.2458C>G (p.Pro820Ala)

Gene: PLCG2 (phospholipase C gamma 2; plus strand). Cytogenetic location: 16q23.3.
Variant type: single nucleotide variant.
Coding change: c.2458C>G on transcript NM_002661.5 (MANE Select); coding-DNA position 2458, C replaced by G.
Protein change: p.Pro820Ala; replaces proline 820 with alanine.
Molecular consequence: missense variant.
Genome position (GRCh38, 1-based): chr16:81,927,122, C>G. VCF-style: chr16-81927122-C-G. GRCh37 (hg19) VCF-style: chr16-81960727-C-G.
Other names: c.2458C>G, p.Pro820Ala (NM_001425749.1, NM_001425750.1, NM_001425751.1); short protein forms P820A.
Identifiers: ClinVar variation 4808902 (VCV004808902.1).

ClinVar aggregate classification (germline): Uncertain significance (1 of 4 stars; one submission).

Conditions:
Familial cold autoinflammatory syndrome 3 (FCAS3). Also called: FAMILIAL ATYPICAL COLD URTICARIA; ANTIBODY DEFICIENCY AND IMMUNE DYSREGULATION, PLCG2-ASSOCIATED. Identifiers: Orphanet 300359, MedGen C3280914, MONDO:0013766, OMIM 614468.

gnomAD v4.1: 1 of 1,613,920 alleles (0.000062%); highest among the groups gnomAD compares: Non-Finnish European, 0.000085%; no homozygotes.

Submission:

Labcorp Genetics (formerly Invitae), Labcorp
Classification: Uncertain significance for Familial cold autoinflammatory syndrome 3. Last evaluated: 2025-10-15. Review status: criteria provided, single submitter. Criteria: Invitae Variant Classification Sherloc (09022015). Collection method: clinical testing. Allele origin: germline.
Comment: This sequence change replaces proline, which is neutral and non-polar, with alanine, which is neutral and non-polar, at codon 820 of the PLCG2 protein (p.Pro820Ala). This variant is not present in population databases (gnomAD no frequency). This variant has not been reported in the literature in individuals affected with PLCG2-related conditions. An algorithm developed to predict the effect of missense changes on protein structure and function (PolyPhen-2) suggests that this variant is likely to be disruptive. In summary, the available evidence is currently insufficient to determine the role of this variant in disease. Therefore, it has been classified as a Variant of Uncertain Significance.